The following is an entry in ClinVar:

NM_006019.4(TCIRG1):c.1288A>G (p.Lys430Glu)

Gene: TCIRG1 (T cell immune regulator 1, ATPase H+ transporting V0 subunit a3; plus strand). Cytogenetic location: 11q13.2.
Variant type: single nucleotide variant.
Coding change: c.1288A>G on transcript NM_006019.4 (MANE Select); coding-DNA position 1288, A replaced by G.
Protein change: p.Lys430Glu; replaces lysine 430 with glutamic acid.
Molecular consequence: missense variant.
Genome position (GRCh38, 1-based): chr11:68,047,555, A>G. VCF-style: chr11-68047555-A-G. GRCh37 (hg19) VCF-style: chr11-67815022-A-G.
Other names: c.394A>G, p.Lys132Glu (NM_001351059.2); c.640A>G, p.Lys214Glu (NM_006053.4); short protein forms K430E, K132E, K214E.
Identifiers: ClinVar variation 2037658 (VCV002037658.1), dbSNP rs749452126, ClinGen allele CA6147044.
Genomic context (GRCh38, chr11:68,047,555, plus strand): 5'-GGGCTGCTCATGTTCCTGTTCGCCCTGGCCATGGTCCTTGCGGAGAACCGACCGGCTGTG[A>G]AGGCCGCGCAGAACGAGGTGAGGGGCGGGGCTGGGGTCCTGATGAGGGTAGCAGGGCCAG-3'
Protein context (NP_006010.2, residues 420-440): MVLAENRPAV[Lys430Glu]AAQNEIWQTF

ClinVar aggregate classification (germline): Uncertain significance (1 of 4 stars; one submission).

Allele frequency attached by ClinVar (database versions not stated): gnomAD exomes below 0.00001; TOPMed below 0.00001; ExAC 0.00001; gnomAD 0.00001.

Submission:

Labcorp Genetics (formerly Invitae), Labcorp
Classification: Uncertain significance. Last evaluated: 2021-12-08. Review status: criteria provided, single submitter. Criteria: Invitae Variant Classification Sherloc (09022015). Collection method: clinical testing. Allele origin: germline.
Comment: This sequence change replaces lysine, which is basic and polar, with glutamic acid, which is acidic and polar, at codon 430 of the TCIRG1 protein (p.Lys430Glu). The frequency data for this variant in the population databases is considered unreliable, as metrics indicate poor data quality at this position in the gnomAD database. This variant has not been reported in the literature in individuals affected with TCIRG1-related conditions. Algorithms developed to predict the effect of missense changes on protein structure and function are either unavailable or do not agree on the potential impact of this missense change (SIFT: "Tolerated"; PolyPhen-2: "Possibly Damaging"; Align-GVGD: "Class C0"). In summary, the available evidence is currently insufficient to determine the role of this variant in disease. Therefore, it has been classified as a Variant of Uncertain Significance.